The following is an entry in ClinVar:

ClinVar aggregate classification (germline): Uncertain significance (1 of 4 stars; one submission).

Allele frequency attached by ClinVar (database versions not stated): TOPMed 0.00002; gnomAD 0.00003.
gnomAD v4.1: 24 of 1,614,026 alleles (0.0015%); highest among the groups gnomAD compares: African/African-American, 0.0053%; no homozygotes.

Submission:

Labcorp Genetics (formerly Invitae), Labcorp
Classification: Uncertain significance. Last evaluated: 2025-07-23. Review status: criteria provided, single submitter. Criteria: Invitae Variant Classification Sherloc (09022015). Collection method: clinical testing. Allele origin: germline.
Comment: This sequence change replaces arginine, which is basic and polar, with histidine, which is basic and polar, at codon 591 of the CEP97 protein (p.Arg591His). This variant is present in population databases (rs770975681, gnomAD 0.008%). This variant has not been reported in the literature in individuals affected with CEP97-related conditions. ClinVar contains an entry for this variant (Variation ID: 1932347). Invitae Evidence Modeling of protein sequence and biophysical properties (such as structural, functional, and spatial information, amino acid conservation, physicochemical variation, residue mobility, and thermodynamic stability) indicates that this missense variant is not expected to disrupt CEP97 protein function with a negative predictive value of 80%. In summary, the available evidence is currently insufficient to determine the role of this variant in disease. Therefore, it has been classified as a Variant of Uncertain Significance.

NM_024548.4(CEP97):c.1772G>A (p.Arg591His)

Gene: CEP97 (centrosomal protein 97; plus strand). Cytogenetic location: 3q12.3.
Variant type: single nucleotide variant.
Coding change: c.1772G>A on transcript NM_024548.4 (MANE Select); coding-DNA position 1772, G replaced by A.
Protein change: p.Arg591His; replaces arginine 591 with histidine.
Molecular consequence: missense variant.
Genome position (GRCh38, 1-based): chr3:101,758,378, G>A. VCF-style: chr3-101758378-G-A. GRCh37 (hg19) VCF-style: chr3-101477222-G-A.
Other names: c.1595G>A, p.Arg532His (NM_001303401.2); c.1670G>A, p.Arg557His (NM_001410784.1); c.1493G>A, p.Arg498His (NM_001410785.1); short protein forms R532H, R498H, R591H, R557H.
Identifiers: ClinVar variation 1932347 (VCV001932347.5), dbSNP rs770975681, ClinGen allele CA2522181.